The following is an entry in ClinVar:

NM_020163.3(SEMA3G):c.1941T>C (p.Arg647=)

Gene: SEMA3G (semaphorin 3G; minus strand). Cytogenetic location: 3p21.1.
Variant type: single nucleotide variant.
Coding change: c.1941T>C on transcript NM_020163.3 (MANE Select); coding-DNA position 1941, T replaced by C.
Protein change: p.Arg647=; no amino-acid change (arginine 647 retained).
Molecular consequence: synonymous variant.
Genome position (GRCh38, 1-based): chr3:52,436,011, A>G on the plus strand (T>C on the coding strand, the complement: SEMA3G is on the minus strand). VCF-style: chr3-52436011-A-G. GRCh37 (hg19) VCF-style: chr3-52470027-A-G.
Identifiers: ClinVar variation 4981835 (VCV004981835.1).

ClinVar aggregate classification (germline): Likely benign (1 of 4 stars; one submission).

Conditions:
SEMA3G-related disorder. Also called: SEMA3G-related condition.

gnomAD v4.1: 37 of 1,613,644 alleles (0.0023%); highest among the groups gnomAD compares: South Asian, 0.016%; no homozygotes.

Submission:

PreventionGenetics, part of Exact Sciences
Classification: Likely benign for SEMA3G-related condition. Last evaluated: 2024-11-13. Review status: criteria provided, single submitter. Criteria: ACMG Guidelines, 2015. Collection method: clinical testing. Allele origin: germline.
Comment: This variant is classified as likely benign based on ACMG/AMP sequence variant interpretation guidelines (Richards et al. 2015 PMID: 25741868, with internal and published modifications).